The following is an entry in ClinVar:

ClinVar aggregate classification (germline): Pathogenic (1 of 4 stars; one submission).

gnomAD v4.1: 4 of 1,613,466 alleles (0.00025%); highest among the groups gnomAD compares: Non-Finnish European, 0.00034%; no homozygotes.

Submission:

Labcorp Genetics (formerly Invitae), Labcorp
Classification: Pathogenic. Last evaluated: 2024-12-02. Review status: criteria provided, single submitter. Criteria: Invitae Variant Classification Sherloc (09022015). Collection method: clinical testing. Allele origin: germline.
Comment: This sequence change creates a premature translational stop signal (p.Gln389*) in the TULP1 gene. It is expected to result in an absent or disrupted protein product. Loss-of-function variants in TULP1 are known to be pathogenic (PMID: 8606774, 10549638, 15024725, 18055821). This variant is not present in population databases (gnomAD no frequency). This variant has not been reported in the literature in individuals affected with TULP1-related conditions. ClinVar contains an entry for this variant (Variation ID: 1451376). Algorithms developed to predict the effect of sequence changes on RNA splicing suggest that this variant may disrupt the consensus splice site. For these reasons, this variant has been classified as Pathogenic.

Literature cited by the submitters: PubMed 8606774; PubMed 10549638; PubMed 15024725; PubMed 18055821.

NM_003322.6(TULP1):c.1165C>T (p.Gln389Ter)

Gene: TULP1 (TUB like protein 1; minus strand). Cytogenetic location: 6p21.31.
Variant type: single nucleotide variant.
Coding change: c.1165C>T on transcript NM_003322.6 (MANE Select); coding-DNA position 1165, C replaced by T.
Protein change: p.Gln389Ter; replaces glutamine 389 with a stop codon.
Molecular consequence: nonsense.
Genome position (GRCh38, 1-based): chr6:35,503,796, G>A on the plus strand (C>T on the coding strand, the complement: TULP1 is on the minus strand). VCF-style: chr6-35503796-G-A. GRCh37 (hg19) VCF-style: chr6-35471573-G-A.
Other names: c.1006C>T, p.Gln336Ter (NM_001289395.2); short protein forms Q336*, Q389*.
Identifiers: ClinVar variation 1451376 (VCV001451376.6), dbSNP rs2150924260, ClinGen allele CA363779364.